The following is an entry in ClinVar:

ClinVar aggregate classification (germline): Uncertain significance. Review status: criteria provided, multiple submitters, no conflicts (2 of 4 stars). 2 submissions from 2 submitters: Uncertain significance (2). Last evaluated 2025-06-23.

Conditions:
Hereditary cancer-predisposing syndrome. Also called: Tumor predisposition; Neoplastic Syndromes, Hereditary; Hereditary Cancer Syndrome; Hereditary neoplastic syndrome. Identifiers: Orphanet 140162, MedGen C0027672, MeSH D009386, MONDO:0015356.
Tuberous sclerosis syndrome (TSC). Also called: Tuberous Sclerosis Complex; Tuberous sclerosis. Identifiers: Orphanet 805, MedGen C0041341, MONDO:0001734.

Submissions (2):

Color Diagnostics, LLC DBA Color Health
Classification: Uncertain significance for Tuberous sclerosis syndrome. Last evaluated: 2025-06-23. Review status: criteria provided, single submitter. Criteria: ACMG Guidelines, 2015. Collection method: clinical testing. Allele origin: germline.
Comment: This missense variant replaces proline with glutamine at codon 56 of the TSC1 protein. Computational prediction suggests that this variant may not impact protein structure and function. To our knowledge, functional studies have not been reported for this variant. This variant has not been reported in individuals affected with TSC1-related disorders in the literature. This variant has not been identified in the general population by the Genome Aggregation Database (gnomAD). The available evidence is insufficient to determine the role of this variant in disease conclusively. Therefore, this variant is classified as a Variant of Uncertain Significance.

Ambry Genetics
Classification: Uncertain significance for Hereditary cancer-predisposing syndrome. Last evaluated: 2025-03-26. Review status: criteria provided, single submitter. Criteria: Ambry Variant Classification Scheme 2023. Collection method: clinical testing. Allele origin: germline.
Comment: The p.P56Q variant (also known as c.167C>A), located in coding exon 2 of the TSC1 gene, results from a C to A substitution at nucleotide position 167. The proline at codon 56 is replaced by glutamine, an amino acid with similar properties. This amino acid position is conserved. In addition, this alteration is predicted to be tolerated by in silico analysis. Based on the available evidence, the clinical significance of this variant remains unclear.

NM_000368.5(TSC1):c.167C>A (p.Pro56Gln)

Gene: TSC1 (TSC complex subunit 1; minus strand). Cytogenetic location: 9q34.13.
Variant type: single nucleotide variant.
Coding change: c.167C>A on transcript NM_000368.5 (MANE Select); coding-DNA position 167, C replaced by A.
Protein change: p.Pro56Gln; replaces proline 56 with glutamine.
Molecular consequence: missense variant. On other transcripts: 5 prime UTR variant (9), non-coding transcript variant (4), intron variant (9).
Genome position (GRCh38, 1-based): chr9:132,927,244, G>T on the plus strand (C>A on the coding strand, the complement: TSC1 is on the minus strand). VCF-style: chr9-132927244-G-T. GRCh37 (hg19) VCF-style: chr9-135802631-G-T.
Other names: c.167C>A, p.Pro56Gln (NM_001162426.2, NM_001162427.2, NM_001406592.1 and 21 more transcripts); c.-322C>A (NM_001406615.1, NM_001406623.1); c.-289C>A (NM_001406616.1, NM_001406624.1); c.-711C>A (NM_001406626.1, NM_001406627.1, NM_001406628.1); c.-853C>A (NM_001406629.1); c.-927C>A (NM_001406630.1); c.-153-1505C>A (NM_001406620.1, NM_001406618.1, NM_001406625.1 and 5 more transcripts); c.-245-1505C>A (NM_001406614.1); short protein forms P56Q.
Identifiers: ClinVar variation 3974544 (VCV003974544.2).